The following is an entry in ClinVar:

ClinVar aggregate classification (germline): Uncertain significance (1 of 4 stars; one submission).

Conditions:
Severe combined immunodeficiency, autosomal recessive, T cell-negative, B cell-negative, NK cell-positive. Also called: SCID, AR, T-cell negative, B-cell negative, NK cell-positive; SCID, T CELL-NEGATIVE, B CELL-NEGATIVE, NK CELL-POSITIVE; Severe combined immunodeficiency due to complete RAG1/2 deficiency. Identifiers: Orphanet 331206, MedGen C1832322, MONDO:0011086, OMIM 601457.
Combined immunodeficiency with skin granulomas. Identifiers: Orphanet 157949, MedGen C2673536, MONDO:0009306, OMIM 233650.

Allele frequency attached by ClinVar (database versions not stated): gnomAD exomes below 0.00001.
gnomAD v4.1: 2 of 1,614,088 alleles (0.00012%); highest among the groups gnomAD compares: Non-Finnish European, 0.00017%; no homozygotes.

Submission:

Labcorp Genetics (formerly Invitae), Labcorp
Classification: Uncertain significance for Combined immunodeficiency with skin granulomas; Severe combined immunodeficiency, autosomal recessive, T cell-negative, B cell-negative, NK cell-positive. Last evaluated: 2021-08-31. Review status: criteria provided, single submitter. Criteria: Invitae Variant Classification Sherloc (09022015). Collection method: clinical testing. Allele origin: germline.
Comment: This sequence change replaces valine with glycine at codon 129 of the RAG1 protein (p.Val129Gly). The valine residue is highly conserved and there is a moderate physicochemical difference between valine and glycine. This variant is not present in population databases (ExAC no frequency). This variant has not been reported in the literature in individuals affected with RAG1-related conditions. Algorithms developed to predict the effect of missense changes on protein structure and function are either unavailable or do not agree on the potential impact of this missense change (SIFT: "Deleterious"; PolyPhen-2: "Probably Damaging"; Align-GVGD: "Class C0"). In summary, the available evidence is currently insufficient to determine the role of this variant in disease. Therefore, it has been classified as a Variant of Uncertain Significance.

NM_000448.3(RAG1):c.386T>G (p.Val129Gly)

Gene: RAG1 (recombination activating 1; plus strand). Cytogenetic location: 11p12.
Variant type: single nucleotide variant.
Coding change: c.386T>G on transcript NM_000448.3 (MANE Select); coding-DNA position 386, T replaced by G.
Protein change: p.Val129Gly; replaces valine 129 with glycine.
Molecular consequence: missense variant.
Genome position (GRCh38, 1-based): chr11:36,573,690, T>G. VCF-style: chr11-36573690-T-G. GRCh37 (hg19) VCF-style: chr11-36595240-T-G.
Other names: c.386T>G, p.Val129Gly (NM_001377277.1, NM_001377278.1, NM_001377279.1 and 1 more transcripts); short protein forms V129G.
Identifiers: ClinVar variation 961094 (VCV000961094.7), dbSNP rs1168709961, ClinGen allele CA380146443.
Genomic context (GRCh38, chr11:36,573,690, plus strand): 5'-ATCTCTGCCGCATCTGTGGGAATTCTTTTAGAGCTGATGAGCACAACAGGAGATATCCAG[T>G]CCATGGTCCTGTGGATGGTAAAACCCTAGGCCTTTTACGAAAGAAGGAAAAGAGAGCTAC-3'
Protein context (NP_000439.2, residues 119-139): RADEHNRRYP[Val129Gly]HGPVDGKTLG